The following is an entry in ClinVar:

ClinVar aggregate classification (germline): Uncertain significance (1 of 4 stars; one submission).

Conditions:
CHD1-related disorder. Also called: CHD1-related condition.

Submission:

PreventionGenetics, part of Exact Sciences
Classification: Uncertain significance for CHD1-related condition. Last evaluated: 2024-10-25. Review status: criteria provided, single submitter. Criteria: ACMG Guidelines, 2015. Collection method: clinical testing. Allele origin: germline.
Comment: The CHD1 c.4457C>A variant is predicted to result in the amino acid substitution p.Thr1486Asn. To our knowledge, this variant has not been reported in the literature or in a large population database (gnomAD), indicating this variant is rare. At this time, the clinical significance of this variant is uncertain due to the absence of conclusive functional and genetic evidence.

NM_001270.4(CHD1):c.4457C>A (p.Thr1486Asn)

Gene: CHD1 (chromodomain helicase DNA binding protein 1; minus strand). Cytogenetic location: 5q15.
Variant type: single nucleotide variant.
Coding change: c.4457C>A on transcript NM_001270.4 (MANE Select); coding-DNA position 4457, C replaced by A.
Protein change: p.Thr1486Asn; replaces threonine 1486 with asparagine.
Molecular consequence: missense variant. On other transcripts: non-coding transcript variant (2).
Genome position (GRCh38, 1-based): chr5:98,860,039, G>T on the plus strand (C>A on the coding strand, the complement: CHD1 is on the minus strand). VCF-style: chr5-98860039-G-T. GRCh37 (hg19) VCF-style: chr5-98195743-G-T.
Other names: c.4721C>A, p.Thr1574Asn (NM_001364113.3); c.4457C>A, p.Thr1486Asn (NM_001376194.2); short protein forms T1486N, T1574N.
Identifiers: ClinVar variation 4997212 (VCV004997212.1).